The following is an entry in ClinVar:

NM_001130009.3(GEN1):c.2315A>G (p.Asn772Ser)

Gene: GEN1 (GEN1 Holliday junction 5' flap endonuclease; plus strand). Cytogenetic location: 2p24.2.
Variant type: single nucleotide variant.
Coding change: c.2315A>G on transcript NM_001130009.3 (MANE Select); coding-DNA position 2315, A replaced by G.
Protein change: p.Asn772Ser; replaces asparagine 772 with serine.
Molecular consequence: missense variant.
Genome position (GRCh38, 1-based): chr2:17,781,527, A>G. VCF-style: chr2-17781527-A-G. GRCh37 (hg19) VCF-style: chr2-17962794-A-G.
Other names: c.2315A>G, p.Asn772Ser (NM_182625.5); short protein forms N772S.
Identifiers: ClinVar variation 4263052 (VCV004263052.1).

ClinVar aggregate classification (germline): Uncertain significance (1 of 4 stars; one submission).

gnomAD v4.1: 3 of 1,613,772 alleles (0.00019%); highest among the groups gnomAD compares: Admixed American, 0.0017%; no homozygotes.

Submission:

Ambry Genetics
Classification: Uncertain significance. Last evaluated: 2025-08-01. Review status: criteria provided, single submitter. Criteria: Ambry Variant Classification Scheme 2023. Collection method: clinical testing. Allele origin: germline.
Comment: The p.N772S variant (also known as c.2315A>G), located in coding exon 13 of the GEN1 gene, results from an A to G substitution at nucleotide position 2315. The asparagine at codon 772 is replaced by serine, an amino acid with highly similar properties. This amino acid position is conserved. In addition, this alteration is predicted to be tolerated by in silico analysis. Based on the available evidence, the clinical significance of this variant remains unclear.